The following is an entry in ClinVar:

NM_000548.5(TSC2):c.3328G>A (p.Ala1110Thr)

Gene: TSC2 (TSC complex subunit 2; plus strand). Cytogenetic location: 16p13.3.
Variant type: single nucleotide variant.
Coding change: c.3328G>A on transcript NM_000548.5 (MANE Select); coding-DNA position 3328, G replaced by A.
Protein change: p.Ala1110Thr; replaces alanine 1110 with threonine.
Molecular consequence: missense variant.
Genome position (GRCh38, 1-based): chr16:2,079,600, G>A. VCF-style: chr16-2079600-G-A. GRCh37 (hg19) VCF-style: chr16-2129601-G-A.
Other names: c.3196G>A, p.Ala1066Thr (NM_001077183.3, NM_001370404.1); c.3328G>A, p.Ala1110Thr (NM_001114382.3); c.3088G>A, p.Ala1030Thr (NM_001318827.2); c.3052G>A, p.Ala1018Thr (NM_001318829.2); c.2596G>A, p.Ala866Thr (NM_001318831.2); c.3229G>A, p.Ala1077Thr (NM_001318832.2); c.3199G>A, p.Ala1067Thr (NM_001363528.2, NM_001370405.1, NM_021055.3); short protein forms A1110T, A1018T, A1077T, A866T, A1030T, A1066T, A1067T.
Identifiers: ClinVar variation 579257 (VCV000579257.9), dbSNP rs1260370117, ClinGen allele CA394286601.
Genomic context (GRCh38, chr16:2,079,600, plus strand): 5'-TGGGATTCTCTTCTCAGCTCCAGCCCCGGGGTGCATGTGAGACAGACCAAGGAGGCGCCG[G>A]CCAAGCTGGAGTCCCAGGCTGGGCAGCAGGTGTCCCGTGGGGCCCGGGATCGGGTCCGTT-3'
Protein context (NP_000539.2, residues 1100-1120): VHVRQTKEAP[Ala1110Thr]KLESQAGQQV

ClinVar aggregate classification (germline): Uncertain significance. Review status: criteria provided, multiple submitters, no conflicts (2 of 4 stars). 2 submissions from 2 submitters: Uncertain significance (2). Last evaluated 2025-11-29.

Conditions:
Hereditary cancer-predisposing syndrome. Also called: Hereditary neoplastic syndrome; Tumor predisposition; Hereditary Cancer Syndrome; Neoplastic Syndromes, Hereditary. Identifiers: Orphanet 140162, MedGen C0027672, MeSH D009386, MONDO:0015356.
Tuberous sclerosis 2 (TSC2). Identifiers: Orphanet 805, MedGen C1860707, MONDO:0013199, OMIM 613254.

Submissions (2):

Ambry Genetics
Classification: Uncertain significance for Hereditary cancer-predisposing syndrome. Last evaluated: 2025-11-29. Review status: criteria provided, single submitter. Criteria: Ambry Variant Classification Scheme 2023. Collection method: clinical testing. Allele origin: germline.
Comment: The p.A1110T variant (also known as c.3328G>A), located in coding exon 28 of the TSC2 gene, results from a G to A substitution at nucleotide position 3328. The alanine at codon 1110 is replaced by threonine, an amino acid with similar properties. This amino acid position is conserved. In addition, the in silico prediction for this alteration is inconclusive. Based on the available evidence, the clinical significance of this variant remains unclear.

Labcorp Genetics (formerly Invitae), Labcorp
Classification: Uncertain significance for Tuberous sclerosis 2. Last evaluated: 2018-06-06. Review status: criteria provided, single submitter. Criteria: Invitae Variant Classification Sherloc (09022015). Collection method: clinical testing. Allele origin: germline.
Comment: In summary, the available evidence is currently insufficient to determine the role of this variant in disease. Therefore, it has been classified as a Variant of Uncertain Significance. Algorithms developed to predict the effect of missense changes on protein structure and function are either unavailable or do not agree on the potential impact of this missense change (SIFT: "Tolerated"; PolyPhen-2: "Possibly Damaging"; Align-GVGD: "Class C0"). This variant has not been reported in the literature in individuals with TSC2-related disease. This variant is not present in population databases (ExAC no frequency). This sequence change replaces alanine with threonine at codon 1110 of the TSC2 protein (p.Ala1110Thr). The alanine residue is moderately conserved and there is a small physicochemical difference between alanine and threonine.